The following is an entry in ClinVar:

NM_007254.4(PNKP):c.1545C>T (p.Tyr515=)

Gene: PNKP (polynucleotide kinase 3'-phosphatase; minus strand). Cytogenetic location: 19q13.33.
Variant type: single nucleotide variant.
Coding change: c.1545C>T on transcript NM_007254.4 (MANE Select); coding-DNA position 1545, C replaced by T.
Protein change: p.Tyr515=; no amino-acid change (tyrosine 515 retained).
Molecular consequence: synonymous variant.
Genome position (GRCh38, 1-based): chr19:49,861,269, G>A on the plus strand (C>T on the coding strand, the complement: PNKP is on the minus strand). VCF-style: chr19-49861269-G-A. GRCh37 (hg19) VCF-style: chr19-50364526-G-A.
Other names: p.Tyr515=.
Identifiers: ClinVar variation 697543 (VCV000697543.50), dbSNP rs760131892, ClinGen allele CA9586311.

ClinVar aggregate classification (germline): Conflicting classifications of pathogenicity. Review status: criteria provided, conflicting classifications (1 of 4 stars). 4 submissions from 4 submitters: Uncertain significance (1); Likely benign (3). Last evaluated 2026-01-05.

Conditions:
Developmental and epileptic encephalopathy, 12 (DEE12). Identifiers: MedGen C3150988, MONDO:0013389, OMIM 613722.

Allele frequency attached by ClinVar (database versions not stated): TOPMed 0.00002.

Submissions (4):

Labcorp Genetics (formerly Invitae), Labcorp
Classification: Likely benign for Developmental and epileptic encephalopathy, 12. Last evaluated: 2026-01-05. Review status: criteria provided, single submitter. Criteria: Invitae Variant Classification Sherloc (09022015). Collection method: clinical testing. Allele origin: germline.

Mayo Clinic Laboratories, Mayo Clinic
Classification: Likely benign. Last evaluated: 2025-05-06. Review status: criteria provided, single submitter. Criteria: ACMG Guidelines, 2015. Collection method: clinical testing. Allele origin: germline. Observed: 1 variant allele.
Comment: BP4, BP7

CeGaT Center for Human Genetics Tuebingen
Classification: Likely benign. Last evaluated: 2020-08-01. Review status: criteria provided, single submitter. Criteria: CeGaT Center For Human Genetics Tuebingen Variant Classification Criteria Version 2. Collection method: clinical testing. Allele origin: germline. Affected: yes. Observed: 1 variant allele.

Genetic Services Laboratory, University of Chicago
Classification: Uncertain significance. Last evaluated: 2017-09-05. Review status: criteria provided, single submitter. Criteria: ACMG Guidelines, 2015. Collection method: clinical testing. Allele origin: germline. Affected: no.